The following is an entry in ClinVar:

ClinVar aggregate classification (germline): Likely benign. Review status: reviewed by expert panel (3 of 4 stars). 4 submissions from 4 submitters: Likely benign (1). 3 of the submissions do not count toward it. Last evaluated 2017-06-29.

Conditions:
Hereditary cancer-predisposing syndrome. Also called: Hereditary neoplastic syndrome; Hereditary Cancer Syndrome; Neoplastic Syndromes, Hereditary; Tumor predisposition. Identifiers: Orphanet 140162, MedGen C0027672, MeSH D009386, MONDO:0015356.
Breast-ovarian cancer, familial, susceptibility to, 2 (BROVCA2). Also called: BRCA2 Hereditary Breast and Ovarian Cancer. Identifiers: Orphanet 145, MedGen C2675520, MONDO:0012933, OMIM 612555. Disease mechanism: loss of function.
Hereditary breast ovarian cancer syndrome. Also called: Hereditary breast and ovarian cancer syndrome; BRCA1- and BRCA2-Associated Hereditary Breast and Ovarian Cancer; Hereditary breast and/or ovarian cancer syndrome; Hereditary breast and ovarian cancer; Breast and ovarian cancer; Hereditary breast and ovarian cancer syndrome (HBOC). Identifiers: Orphanet 145, MedGen C0677776, MeSH D061325, MONDO:0003582. Disease mechanism: loss of function.

Allele frequency attached by ClinVar (database versions not stated): gnomAD exomes below 0.00001 and 0.00001; ExAC 0.00001; TOPMed 0.00001.
gnomAD v4.1: 2 of 1,614,108 alleles (0.00012%); highest among the groups gnomAD compares: East Asian, 0.0022%; no homozygotes.

Submissions (4):

Evidence-based Network for the Interpretation of Germline Mutant Alleles (ENIGMA)
Classification: Likely benign for Breast-ovarian cancer, familial, susceptibility to, 2. Last evaluated: 2017-06-29. Review status: reviewed by expert panel. Criteria: ENIGMA BRCA1/2 Classification Criteria (2017-06-29). Collection method: curation. Allele origin: germline.
Comment: Synonymous substitution variant, with low bioinformatic likelihood to result in a splicing aberration (Splicing prior probability 0.02).

Labcorp Genetics (formerly Invitae), Labcorp
Classification: Likely benign for Hereditary breast ovarian cancer syndrome. Last evaluated: 2024-02-15. Review status: criteria provided, single submitter. Criteria: Invitae Variant Classification Sherloc (09022015). Collection method: clinical testing. Allele origin: germline. Not counted in ClinVar's aggregate classification.

All of Us Research Program, National Institutes of Health
Classification: Likely benign for Breast-ovarian cancer, familial, susceptibility to, 2. Last evaluated: 2023-11-20. Review status: criteria provided, single submitter. Criteria: ACMG Guidelines, 2015. Collection method: clinical testing. Allele origin: germline. Inheritance: Autosomal dominant inheritance. Observed: 1 variant allele, 1 heterozygote. Not counted in ClinVar's aggregate classification.
Comment: This study involves interpretation of variants in research participants for the purpose of population health screening. Participant phenotype was not available at the time of variant classification. Additional details can be found in publication PMID: 35346344, PMCID: PMC8962531

Ambry Genetics
Classification: Likely benign for Hereditary cancer-predisposing syndrome. Last evaluated: 2016-03-29. Review status: criteria provided, single submitter. Criteria: Ambry Variant Classification Scheme 2023. Collection method: clinical testing. Allele origin: germline. Not counted in ClinVar's aggregate classification.

NM_000059.4(BRCA2):c.9153A>G (p.Pro3051=)

Gene: BRCA2 (BRCA2 DNA repair associated; plus strand). Cytogenetic location: 13q13.1.
Variant type: single nucleotide variant.
Coding change: c.9153A>G on transcript NM_000059.4 (MANE Select); coding-DNA position 9153, A replaced by G.
Protein change: p.Pro3051=; no amino-acid change (proline 3051 retained).
Molecular consequence: synonymous variant.
Genome position (GRCh38, 1-based): chr13:32,380,042, A>G. VCF-style: chr13-32380042-A-G. GRCh37 (hg19) VCF-style: chr13-32954179-A-G.
Identifiers: ClinVar variation 427489 (VCV000427489.17), dbSNP rs766887680, ClinGen allele CA6941349.